The following is an entry in ClinVar:

ClinVar aggregate classification (germline): Benign/Likely benign. Review status: criteria provided, multiple submitters, no conflicts (2 of 4 stars). 3 submissions from 3 submitters: Benign (1); Likely benign (1). 1 of the submissions does not count toward it. Last evaluated 2026-02-04.

Conditions:
IL12RB2-related disorder. Also called: IL12RB2-related condition.

Allele frequency attached by ClinVar (database versions not stated): gnomAD 0.00022; TOPMed 0.00034; ExAC 0.00075; gnomAD exomes 0.00077; 1000 Genomes Project 30x 0.00125; 1000 Genomes Project 0.00140.
gnomAD v4.1: 299 of 1,613,276 alleles (0.019%); highest among the groups gnomAD compares: East Asian, 0.64%; 2 homozygotes.

Submissions (3):

Labcorp Genetics (formerly Invitae), Labcorp
Classification: Benign. Last evaluated: 2026-02-04. Review status: criteria provided, single submitter. Criteria: Invitae Variant Classification Sherloc (09022015). Collection method: clinical testing. Allele origin: germline.

Blueprint Genetics
Classification: Likely benign. Last evaluated: 2024-11-25. Review status: criteria provided, single submitter. Criteria: ACMG Guidelines, 2015. Collection method: clinical testing. Allele origin: germline.

PreventionGenetics, part of Exact Sciences
Classification: Benign for IL12RB2-related condition. Last evaluated: 2019-09-17. Review status: no assertion criteria provided. Collection method: clinical testing. Allele origin: germline. Not counted in ClinVar's aggregate classification.
Comment: This variant is classified as benign based on ACMG/AMP sequence variant interpretation guidelines (Richards et al. 2015 PMID: 25741868, with internal and published modifications).

NM_001374259.2(IL12RB2):c.1776G>C (p.Val592=)

Gene: IL12RB2 (interleukin 12 receptor subunit beta 2; plus strand). Cytogenetic location: 1p31.3.
Variant type: single nucleotide variant.
Coding change: c.1776G>C on transcript NM_001374259.2 (MANE Select); coding-DNA position 1776, G replaced by C.
Protein change: p.Val592=; no amino-acid change (valine 592 retained).
Molecular consequence: synonymous variant. On other transcripts: non-coding transcript variant (2).
Genome position (GRCh38, 1-based): chr1:67,380,044, G>C. VCF-style: chr1-67380044-G-C. GRCh37 (hg19) VCF-style: chr1-67845727-G-C.
Other names: c.1776G>C (NM_001559.2); c.1776G>C, p.Val592= (NM_001258214.1, NM_001258216.1, NM_001319233.1 and 1 more transcripts); c.1518G>C, p.Val506= (NM_001258215.1).
Identifiers: ClinVar variation 1574624 (VCV001574624.11), dbSNP rs78878673, ClinGen allele CA900573.